The following is an entry in ClinVar:

ClinVar aggregate classification (germline): Uncertain significance. Review status: criteria provided, multiple submitters, no conflicts (2 of 4 stars). 3 submissions from 3 submitters: Uncertain significance (3). Last evaluated 2026-07-01.

Conditions:
Inborn genetic diseases. Identifiers: MedGen C0950123, MeSH D030342.
KIDINS220-related disorder. Also called: KIDINS220-related condition.

Allele frequency attached by ClinVar (database versions not stated): gnomAD 0.00006; gnomAD exomes 0.00006 and 0.00017; TOPMed 0.00006; ExAC 0.00007.
gnomAD v4.1: 247 of 1,609,088 alleles (0.015%); highest among the groups gnomAD compares: Non-Finnish European, 0.02%; no homozygotes.

Submissions (3):

PreventionGenetics, part of Exact Sciences
Classification: Uncertain significance for KIDINS220-related condition. Last evaluated: 2026-07-01. Review status: criteria provided, single submitter. Criteria: ACMG Guidelines, 2015. Collection method: clinical testing. Allele origin: germline.
Comment: The KIDINS220 c.1603C>A variant is predicted to result in the amino acid substitution p.Leu535Ile. To our knowledge, this variant has not been reported in the literature. This variant is reported in 0.010% of alleles in individuals of European (non-Finnish) descent in gnomAD. At this time, the clinical significance of this variant is uncertain due to the absence of conclusive functional and genetic evidence.

Labcorp Genetics (formerly Invitae), Labcorp
Classification: Uncertain significance. Last evaluated: 2025-08-12. Review status: criteria provided, single submitter. Criteria: Invitae Variant Classification Sherloc (09022015). Collection method: clinical testing. Allele origin: germline.
Comment: This sequence change replaces leucine, which is neutral and non-polar, with isoleucine, which is neutral and non-polar, at codon 535 of the KIDINS220 protein (p.Leu535Ile). This variant is present in population databases (rs754563018, gnomAD 0.01%). This variant has not been reported in the literature in individuals affected with KIDINS220-related conditions. ClinVar contains an entry for this variant (Variation ID: 1443295). An algorithm developed to predict the effect of missense changes on protein structure and function outputs the following: PolyPhen-2: "Benign". The isoleucine amino acid residue is found in multiple mammalian species, which suggests that this missense change does not adversely affect protein function. In summary, the available evidence is currently insufficient to determine the role of this variant in disease. Therefore, it has been classified as a Variant of Uncertain Significance.

Ambry Genetics
Classification: Uncertain significance for Inborn genetic diseases. Last evaluated: 2024-05-08. Review status: criteria provided, single submitter. Criteria: Ambry Variant Classification Scheme 2023. Collection method: clinical testing. Allele origin: germline.

NM_020738.4(KIDINS220):c.1603C>A (p.Leu535Ile)

Gene: KIDINS220 (kinase D interacting substrate 220; minus strand). Cytogenetic location: 2p25.1.
Variant type: single nucleotide variant.
Coding change: c.1603C>A on transcript NM_020738.4 (MANE Select); coding-DNA position 1603, C replaced by A.
Protein change: p.Leu535Ile; replaces leucine 535 with isoleucine.
Molecular consequence: missense variant. On other transcripts: non-coding transcript variant (2).
Genome position (GRCh38, 1-based): chr2:8,789,898, G>T on the plus strand (C>A on the coding strand, the complement: KIDINS220 is on the minus strand). VCF-style: chr2-8789898-G-T. GRCh37 (hg19) VCF-style: chr2-8930028-G-T.
Other names: c.1603C>A (NM_020738.2); c.1606C>A, p.Leu536Ile (NM_001348729.2, NM_001348731.2, NM_001348734.2 and 3 more transcripts); c.1603C>A, p.Leu535Ile (NM_001348732.2, NM_001348735.2, NM_001348738.2 and 3 more transcripts); c.1477C>A, p.Leu493Ile (NM_001348736.2); short protein forms L493I, L535I, L536I.
Identifiers: ClinVar variation 1443295 (VCV001443295.9), dbSNP rs754563018, ClinGen allele CA1520149.